The following is an entry in ClinVar:

NM_015378.4(VPS13D):c.4067A>T (p.Glu1356Val)

Gene: VPS13D (vacuolar protein sorting 13 homolog D; plus strand). Cytogenetic location: 1p36.22.
Variant type: single nucleotide variant.
Coding change: c.4067A>T on transcript NM_015378.4 (MANE Select); coding-DNA position 4067, A replaced by T.
Protein change: p.Glu1356Val; replaces glutamic acid 1356 with valine.
Molecular consequence: missense variant.
Genome position (GRCh38, 1-based): chr1:12,277,655, A>T. VCF-style: chr1-12277655-A-T. GRCh37 (hg19) VCF-style: chr1-12337712-A-T.
Other names: c.4067A>T, p.Glu1356Val (NM_018156.4); short protein forms E1356V.
Identifiers: ClinVar variation 4771926 (VCV004771926.1).
Genomic context (GRCh38, chr1:12,277,655, plus strand): 5'-ATAGCGAGATGGTATCGCTCTTTGAAACTCCAAGGAAGACTCGGGAACCCTTTATCTTAG[A>T]GGAAAATGAAATATATGGGTTTGACCTAGCTTCGTCTCATTTGGACACTGTAAAGCTAAT-3'
Protein context (NP_056193.2, residues 1346-1366): PRKTREPFIL[Glu1356Val]ENEIYGFDLA

ClinVar aggregate classification (germline): Uncertain significance (1 of 4 stars; one submission).

gnomAD v4.1: 1 of 1,614,146 alleles (0.000062%); highest among the groups gnomAD compares: Non-Finnish European, 0.000085%; no homozygotes.

Submission:

Labcorp Genetics (formerly Invitae), Labcorp
Classification: Uncertain significance. Last evaluated: 2025-04-13. Review status: criteria provided, single submitter. Criteria: Invitae Variant Classification Sherloc (09022015). Collection method: clinical testing. Allele origin: germline.
Comment: This sequence change replaces glutamic acid, which is acidic and polar, with valine, which is neutral and non-polar, at codon 1356 of the VPS13D protein (p.Glu1356Val). This variant is not present in population databases (gnomAD no frequency). This variant has not been reported in the literature in individuals affected with VPS13D-related conditions. Invitae Evidence Modeling of protein sequence and biophysical properties (such as structural, functional, and spatial information, amino acid conservation, physicochemical variation, residue mobility, and thermodynamic stability) has been performed for this missense variant. However, the output from this modeling did not meet the statistical confidence thresholds required to predict the impact of this variant on VPS13D protein function. In summary, the available evidence is currently insufficient to determine the role of this variant in disease. Therefore, it has been classified as a Variant of Uncertain Significance.